The following is an entry in ClinVar:

NM_198253.3(TERT):c.1280C>T (p.Ala427Val)

Gene: TERT (telomerase reverse transcriptase; minus strand). Cytogenetic location: 5p15.33.
Variant type: single nucleotide variant.
Coding change: c.1280C>T on transcript NM_198253.3 (MANE Select); coding-DNA position 1280, C replaced by T.
Protein change: p.Ala427Val; replaces alanine 427 with valine.
Molecular consequence: missense variant. On other transcripts: non-coding transcript variant (2).
Genome position (GRCh38, 1-based): chr5:1,293,606, G>A on the plus strand (C>T on the coding strand, the complement: TERT is on the minus strand). VCF-style: chr5-1293606-G-A. GRCh37 (hg19) VCF-style: chr5-1293721-G-A.
Other names: c.1280C>T, p.Ala427Val (NM_001193376.3); short protein forms A427V.
Identifiers: ClinVar variation 1441760 (VCV001441760.8), dbSNP rs2126685035, ClinGen allele CA359086378.

ClinVar aggregate classification (germline): Uncertain significance (1 of 4 stars; one submission).

Conditions:
Idiopathic Pulmonary Fibrosis. Also called: Idiopathic fibrosing alveolitis, chronic form; idiopathic fibrosing alveolitis. Identifiers: Orphanet 2032, MedGen C1800706, MeSH D054990, MONDO:0800504.
Dyskeratosis congenita, autosomal dominant 2. Identifiers: MedGen C3151443, MONDO:0013521, OMIM 613989.

Submission:

Labcorp Genetics (formerly Invitae), Labcorp
Classification: Uncertain significance for Dyskeratosis congenita, autosomal dominant 2; Idiopathic Pulmonary Fibrosis. Last evaluated: 2021-05-12. Review status: criteria provided, single submitter. Criteria: Invitae Variant Classification Sherloc (09022015). Collection method: clinical testing. Allele origin: germline.
Comment: The frequency data for this variant in the population databases is considered unreliable, as metrics indicate insufficient coverage at this position in the ExAC database. This variant has not been reported in the literature in individuals with TERT-related conditions. Advanced modeling of protein sequence and biophysical properties (such as structural, functional, and spatial information, amino acid conservation, physicochemical variation, residue mobility, and thermodynamic stability) performed at Invitae indicates that this missense variant is not expected to disrupt TERT protein function. In summary, the available evidence is currently insufficient to determine the role of this variant in disease. Therefore, it has been classified as a Variant of Uncertain Significance. This sequence change replaces alanine with valine at codon 427 of the TERT protein (p.Ala427Val). The alanine residue is weakly conserved and there is a small physicochemical difference between alanine and valine.